The following is an entry in ClinVar:

NM_001330360.2(POLA1):c.83G>A (p.Arg28Gln)

Gene: POLA1 (DNA polymerase alpha 1, catalytic subunit; plus strand). Cytogenetic location: Xp22.11.
Variant type: single nucleotide variant.
Coding change: c.83G>A on transcript NM_001330360.2 (MANE Select); coding-DNA position 83, G replaced by A.
Protein change: p.Arg28Gln; replaces arginine 28 with glutamine.
Molecular consequence: missense variant. On other transcripts: non-coding transcript variant (2).
Genome position (GRCh38, 1-based): chrX:24,699,464, G>A. VCF-style: chrX-24699464-G-A. GRCh37 (hg19) VCF-style: chrX-24717581-G-A.
Other names: c.65G>A (NM_016937.3); c.83G>A, p.Arg28Gln (NM_001378303.1); c.65G>A, p.Arg22Gln (NM_016937.4); short protein forms R28Q, R22Q.
Identifiers: ClinVar variation 1418906 (VCV001418906.12), dbSNP rs776272149, ClinGen allele CA10372707.
Genomic context (GRCh38, chrX:24,699,464, plus strand): 5'-AAATTTTTTTTCTTTTTTCAGCTCTGTCAGATTCAGGGAGTTTTGTATCTTCTCGAGCCC[G>A]GCGAGAAAAAAAATCAAAGAAGGGGCGCCAAGAAGCCCTAGAAAGACTGAAAAAGGCTAA-3'
Protein context (NP_001317289.1, residues 18-38): DSGSFVSSRA[Arg28Gln]REKKSKKGRQ

ClinVar aggregate classification (germline): Conflicting classifications of pathogenicity. Review status: criteria provided, conflicting classifications (1 of 4 stars). 3 submissions from 3 submitters: Uncertain significance (2); Likely benign (1). Last evaluated 2025-11-24.

Conditions:
Inborn genetic diseases. Identifiers: MedGen C0950123, MeSH D030342.

Allele frequency attached by ClinVar (database versions not stated): gnomAD 0.00011 and 0.00012; TOPMed 0.00019; gnomAD exomes 0.00005; ExAC 0.00009.
gnomAD v4.1: 56 of 1,179,199 alleles (0.0047%); highest among the groups gnomAD compares: African/African-American, 0.027%; no homozygotes.

Submissions (3):

Dasa
Classification: Uncertain significance. Last evaluated: 2025-11-24. Review status: criteria provided, single submitter. Criteria: DASA Assertion Criteria. Collection method: clinical testing. Allele origin: germline.
Comment: NM_001330360.2(POLA1):c.83G>A (p.Arg28Gln) is a missense variant that results in the substitution of arginine with glutamine. This variant is rare in population databases. The currently available literature and clinical evidence are not sufficient to establish a definitive association between this variant and the reported condition. Therefore, this variant is classified as a variant of uncertain significance.

Labcorp Genetics (formerly Invitae), Labcorp
Classification: Uncertain significance. Last evaluated: 2025-11-21. Review status: criteria provided, single submitter. Criteria: Invitae Variant Classification Sherloc (09022015). Collection method: clinical testing. Allele origin: germline.
Comment: This sequence change replaces arginine, which is basic and polar, with glutamine, which is neutral and polar, at codon 22 of the POLA1 protein (p.Arg22Gln). The frequency data for this variant in the population databases is considered unreliable, as metrics indicate poor data quality at this position in the gnomAD database. This variant has not been reported in the literature in individuals affected with POLA1-related conditions. ClinVar contains an entry for this variant (Variation ID: 1418906). An algorithm developed to predict the effect of missense changes on protein structure and function (PolyPhen-2) suggests that this variant is likely to be disruptive. In summary, the available evidence is currently insufficient to determine the role of this variant in disease. Therefore, it has been classified as a Variant of Uncertain Significance.

Ambry Genetics
Classification: Likely benign for Inborn genetic diseases. Last evaluated: 2024-01-04. Review status: criteria provided, single submitter. Criteria: Ambry Variant Classification Scheme 2023. Collection method: clinical testing. Allele origin: germline.